The following is an entry in ClinVar:

ClinVar aggregate classification (germline): Conflicting classifications of pathogenicity. Review status: criteria provided, conflicting classifications (1 of 4 stars). 9 submissions from 8 submitters: Uncertain significance (2); Benign (3); Likely benign (3). 1 of the submissions does not count toward it. Last evaluated 2026-07-01.

Conditions:
Ectopia lentis 2, isolated, autosomal recessive (ECTOL2). Identifiers: Orphanet 1885, MedGen C3541474, MONDO:0009152, OMIM 225100.
ADAMTSL4-related disorder. Also called: ADAMTSL4-Related Disorders; ADAMTSL4-related condition.
Ectopia lentis et pupillae. Also called: ECTOPIA LENTIS WITH ECTOPIA OF PUPIL. Identifiers: Orphanet 1885, MedGen C1644196, MONDO:0009153, OMIM 225200.

Allele frequency attached by ClinVar (database versions not stated): 1000 Genomes Project 0.00559; 1000 Genomes Project 30x 0.00593; TOPMed 0.00892; gnomAD 0.00912 and 0.00968; gnomAD exomes 0.01007 and 0.01161; ESP Exome Variant Server 0.01039; ExAC 0.01358.
gnomAD v4.1: 18,176 of 1,606,180 alleles (1.1%); highest among the groups gnomAD compares: Non-Finnish European, 1.3%; 129 homozygotes.

Submissions (25):

CeGaT Center for Human Genetics Tuebingen
Classification: Benign. Last evaluated: 2026-07-01. Review status: criteria provided, single submitter. Criteria: CeGaT Center For Human Genetics Tuebingen Variant Classification Criteria Version 2. Collection method: clinical testing. Allele origin: germline. Affected: yes. Observed: 7 variant alleles.
Comment: ADAMTSL4: BS1, BS2

Labcorp Genetics (formerly Invitae), Labcorp
Classification: Benign. Last evaluated: 2026-02-04. Review status: criteria provided, single submitter. Criteria: Invitae Variant Classification Sherloc (09022015). Collection method: clinical testing. Allele origin: germline.

Blueprint Genetics
Classification: Likely benign. Last evaluated: 2024-11-26. Review status: criteria provided, single submitter. Criteria: ACMG Guidelines, 2015. Collection method: clinical testing. Allele origin: germline.

Genome-Nilou Lab
Classification: Uncertain significance for Ectopia lentis et pupillae. Last evaluated: 2023-04-11. Review status: criteria provided, single submitter. Criteria: ACMG Guidelines, 2015. Collection method: clinical testing. Allele origin: germline. Affected: no.

Genome-Nilou Lab
Classification: Uncertain significance for Ectopia lentis 2, isolated, autosomal recessive. Last evaluated: 2023-04-11. Review status: criteria provided, single submitter. Criteria: ACMG Guidelines, 2015. Collection method: clinical testing. Allele origin: germline. Affected: no.

GeneDx
Classification: Likely benign. Last evaluated: 2019-04-24. Review status: criteria provided, single submitter. Criteria: GeneDx Variant Classification Process June 2021. Collection method: clinical testing. Allele origin: germline. Affected: yes.

Illumina Laboratory Services, Illumina
Classification: Benign for Ectopia lentis 2, isolated, autosomal recessive. Last evaluated: 2018-01-13. Review status: criteria provided, single submitter. Criteria: ICSL Variant Classification Criteria 13 December 2019. Collection method: clinical testing. Allele origin: germline.
Comment: This variant was observed in the ICSL laboratory as part of a predisposition screen in an ostensibly healthy population. It had not been previously curated by ICSL or reported in the Human Gene Mutation Database (HGMD: prior to June 1st, 2018), and was therefore a candidate for classification through an automated scoring system. Utilizing variant allele frequency, disease prevalence and penetrance estimates, and inheritance mode, an automated score was calculated to assess if this variant is too frequent to cause the disease. Based on the score and internal cut-off values, a variant classified as benign is not then subjected to further curation. The score for this variant resulted in a classification of benign for this disease.

Breakthrough Genomics
Classification: Likely benign. Review status: criteria provided, single submitter. Criteria: ACMG Guidelines, 2015. Collection method: not provided. Allele origin: germline. Inheritance: Autosomal recessive inheritance. Affected: yes.

PreventionGenetics, part of Exact Sciences
Classification: Benign for ADAMTSL4-related condition. Last evaluated: 2019-08-21. Review status: no assertion criteria provided. Collection method: clinical testing. Allele origin: germline. Not counted in ClinVar's aggregate classification.
Comment: This variant is classified as benign based on ACMG/AMP sequence variant interpretation guidelines (Richards et al. 2015 PMID: 25741868, with internal and published modifications).

Dr. Peter K. Rogan Lab, Western University
No classification provided (evidence only). Condition: Clear cell carcinoma of kidney. Review status: no classification provided. Collection method: in vitro. Allele origin: not applicable. Functional consequence: retained intron. Not counted in ClinVar's aggregate classification.

Dr. Peter K. Rogan Lab, Western University
No classification provided (evidence only). Condition: Lung cancer. Review status: no classification provided. Collection method: in vitro. Allele origin: not applicable. Functional consequence: retained intron. Not counted in ClinVar's aggregate classification.

Dr. Peter K. Rogan Lab, Western University
No classification provided (evidence only). Condition: Acute myeloid leukemia. Review status: no classification provided. Collection method: in vitro. Allele origin: not applicable. Functional consequence: retained intron. Not counted in ClinVar's aggregate classification.

Dr. Peter K. Rogan Lab, Western University
No classification provided (evidence only). Condition: Colorectal cancer. Review status: no classification provided. Collection method: in vitro. Allele origin: not applicable. Functional consequence: retained intron. Not counted in ClinVar's aggregate classification.

Dr. Peter K. Rogan Lab, Western University
No classification provided (evidence only). Condition: Uterine corpus endometrial carcinoma. Review status: no classification provided. Collection method: in vitro. Allele origin: not applicable. Functional consequence: retained intron. Not counted in ClinVar's aggregate classification.

Dr. Peter K. Rogan Lab, Western University
No classification provided (evidence only). Condition: Uterine corpus endometrial carcinoma. Review status: no classification provided. Collection method: in vitro. Allele origin: not applicable. Functional consequence: retained intron. Not counted in ClinVar's aggregate classification.

Dr. Peter K. Rogan Lab, Western University
No classification provided (evidence only). Condition: Sarcoma. Review status: no classification provided. Collection method: in vitro. Allele origin: not applicable. Functional consequence: retained intron. Not counted in ClinVar's aggregate classification.

Dr. Peter K. Rogan Lab, Western University
No classification provided (evidence only). Condition: Ovarian serous cystadenocarcinoma. Review status: no classification provided. Collection method: in vitro. Allele origin: not applicable. Functional consequence: retained intron. Not counted in ClinVar's aggregate classification.

Dr. Peter K. Rogan Lab, Western University
No classification provided (evidence only). Condition: Ovarian serous cystadenocarcinoma. Review status: no classification provided. Collection method: in vitro. Allele origin: not applicable. Functional consequence: retained intron. Not counted in ClinVar's aggregate classification.

Dr. Peter K. Rogan Lab, Western University
No classification provided (evidence only). Condition: Ovarian serous cystadenocarcinoma. Review status: no classification provided. Collection method: in vitro. Allele origin: not applicable. Functional consequence: retained intron. Not counted in ClinVar's aggregate classification.

Dr. Peter K. Rogan Lab, Western University
No classification provided (evidence only). Condition: Ovarian serous cystadenocarcinoma. Review status: no classification provided. Collection method: in vitro. Allele origin: not applicable. Functional consequence: retained intron. Not counted in ClinVar's aggregate classification.

Dr. Peter K. Rogan Lab, Western University
No classification provided (evidence only). Condition: Ovarian serous cystadenocarcinoma. Review status: no classification provided. Collection method: in vitro. Allele origin: not applicable. Functional consequence: retained intron. Not counted in ClinVar's aggregate classification.

Dr. Peter K. Rogan Lab, Western University
No classification provided (evidence only). Condition: Gastric cancer. Review status: no classification provided. Collection method: in vitro. Allele origin: not applicable. Functional consequence: retained intron. Not counted in ClinVar's aggregate classification.

Dr. Peter K. Rogan Lab, Western University
No classification provided (evidence only). Condition: Gastric cancer. Review status: no classification provided. Collection method: in vitro. Allele origin: not applicable. Functional consequence: retained intron. Not counted in ClinVar's aggregate classification.

Dr. Peter K. Rogan Lab, Western University
No classification provided (evidence only). Condition: Gastric cancer. Review status: no classification provided. Collection method: in vitro. Allele origin: not applicable. Functional consequence: retained intron. Not counted in ClinVar's aggregate classification.

Dr. Peter K. Rogan Lab, Western University
No classification provided (evidence only). Condition: Malignant tumor of esophagus. Review status: no classification provided. Collection method: in vitro. Allele origin: not applicable. Functional consequence: retained intron. Not counted in ClinVar's aggregate classification.

NM_019032.6(ADAMTSL4):c.2121G>A (p.Ala707=)

Genes: ADAMTSL4-AS2 (ADAMTSL4 antisense RNA 2; minus strand), ADAMTSL4 (ADAMTS like 4; plus strand). Cytogenetic location: 1q21.2.
Variant type: single nucleotide variant.
Coding change: c.2121G>A on transcript NM_019032.6 (MANE Select); coding-DNA position 2121, G replaced by A.
Protein change: p.Ala707=; no amino-acid change (alanine 707 retained).
Molecular consequence: synonymous variant.
Genome position (GRCh38, 1-based): chr1:150,557,567, G>A. VCF-style: chr1-150557567-G-A. GRCh37 (hg19) VCF-style: chr1-150530043-G-A.
Other names: c.2004G>A, p.Ala668= (NM_001288607.2); c.2190G>A, p.Ala730= (NM_001288608.2); c.2121G>A, p.Ala707= (NM_001378596.1, NM_025008.5).
Identifiers: ClinVar variation 292545 (VCV000292545.43), dbSNP rs41317525, ClinGen allele CA1078541.